The following is an entry in ClinVar:

ClinVar aggregate classification (germline): Pathogenic/Likely pathogenic. Review status: criteria provided, multiple submitters, no conflicts (2 of 4 stars). 4 submissions from 4 submitters: Pathogenic (1); Likely pathogenic (1). 2 of the submissions do not count toward it. Last evaluated 2023-12-24.

Conditions:
Retinitis pigmentosa (RP). Identifiers: Orphanet 791, MedGen C0035334, MeSH D012174, MONDO:0019200, OMIM 268000. Inheritance: Autosomal dominant, autosomal recessive and X linked inheritance.
Retinal dystrophy. Also called: Inherited retinal dystrophy. Identifiers: Orphanet 71862, MedGen C0854723, MeSH D058499, MONDO:0019118, HP:0000556.
Leber congenital amaurosis 13 (LCA13). Identifiers: MedGen C2675186, MONDO:0012990, OMIM 612712.

Submissions (4):

Labcorp Genetics (formerly Invitae), Labcorp
Classification: Pathogenic for Leber congenital amaurosis 13. Last evaluated: 2023-12-24. Review status: criteria provided, single submitter. Criteria: Invitae Variant Classification Sherloc (09022015). Collection method: clinical testing. Allele origin: germline.
Comment: This sequence change creates a premature translational stop signal (p.Phe254Leufs*24) in the RDH12 gene. While this is not anticipated to result in nonsense mediated decay, it is expected to disrupt the last 63 amino acid(s) of the RDH12 protein. This variant is not present in population databases (gnomAD no frequency). This variant has not been observed in the literature in individuals with autosomal recessive RDH12-related conditions. This variant has been reported in individual(s) with autosomal dominant retinitis pigmentosa (PMID: 32322264); however, the role of the variant in this condition is currently unclear. ClinVar contains an entry for this variant (Variation ID: 812389). This variant disrupts a region of the RDH12 protein in which other variant(s) (p.Trp304*) have been determined to be pathogenic (PMID: 20736127, 24625443). This suggests that this is a clinically significant region of the protein, and that variants that disrupt it are likely to be disease-causing. For these reasons, this variant has been classified as Pathogenic.

Dept Of Ophthalmology, Nagoya University
Classification: Likely pathogenic for Retinal dystrophy. Last evaluated: 2023-10-01. Review status: criteria provided, single submitter. Criteria: Submitter's publication. Collection method: research. Allele origin: germline. Affected: yes.

Sharon lab, Hadassah-Hebrew University Medical Center
Classification: Pathogenic for Retinitis pigmentosa. Last evaluated: 2019-06-23. Review status: no assertion criteria provided. Collection method: research. Allele origin: inherited. Affected: yes. Not counted in ClinVar's aggregate classification.

Moosajee Lab, UCL Institute of Ophthalmology
Classification: Pathogenic for Retinitis pigmentosa. Review status: no assertion criteria provided. Collection method: clinical testing. Allele origin: paternal, maternal. Inheritance: Autosomal dominant inheritance. Affected: yes. Observed: 2 heterozygotes. Clinical features observed: Night blindness (HP:0000662), Peripheral visual field loss (HP:0007994), Attenuation of retinal blood vessels (HP:0007843), Spicular pigmentation of the retina (HP:0007737), mild waxy disc pallor, hypo and hyper-autofluorescence rings, Macular edema (HP:0040049), Keratoconus (HP:0000563). Not counted in ClinVar's aggregate classification.
Comment: A single base pair deletion [(c.759del; p.(Phe254Leufs*24)] in RDH12 was identified in two unrelated individuals with familial autosomal dominant retinitis pigmentosa. The variant results in a frameshift and premature termination, resulting in loss of the terminal 63 amino acids.

Literature cited by the submitters: PubMed 32322264 (cited by Labcorp Genetics (formerly Invitae), Labcorp); PubMed 20736127 (cited by Labcorp Genetics (formerly Invitae), Labcorp); PubMed 24625443 (cited by Labcorp Genetics (formerly Invitae), Labcorp); DOI 10.3389/fgene.2020.00335 (cited by Moosajee Lab, UCL Institute of Ophthalmology).

NM_152443.3(RDH12):c.759del (p.Phe254fs)

Genes: GPHN (gephyrin; plus strand), RDH12 (retinol dehydrogenase 12; plus strand), ZFYVE26 (zinc finger FYVE-type containing 26; minus strand). Cytogenetic location: 14q24.1.
Variant type: Deletion.
Coding change: c.759del on transcript NM_152443.3 (MANE Select); coding-DNA position 759, one base deleted (C; older notation c.759delC).
Protein change: p.Phe254fs; shifts the reading frame from phenylalanine 254.
Molecular consequence: frameshift variant.
Genome position (GRCh38, 1-based): chr14:67,729,291, C deleted; the last of 5 consecutive C bases (chr14:67,729,287-67,729,291); deleting any one gives the same sequence. VCF-style (leftmost placement, unchanged base first): chr14-67729286-TC-T. GRCh37 (hg19) VCF-style: chr14-68196003-TC-T.
Other names: c.759delC (NM_152443.3); short protein forms F254fs.
Identifiers: ClinVar variation 812389 (VCV000812389.8), dbSNP rs1594867516, ClinGen allele CA915948925.
Genomic context (GRCh38, chr14:67,729,286, plus strand): 5'-GTCGTCCGCTCTGAGCTGGTCCGGCACTCCTCCCTGCTCTGCCTGCTCTGGCGGCTCTTC[TC>T]CCCCTTTGTCAAGACGGCACGGGAGGGGGCGCAGACCAGCCTGCACTGCGCCCTGGCTGA-3'